The following is an entry in ClinVar:

NM_014927.5(CNKSR2):c.745C>G (p.Pro249Ala)

Gene: CNKSR2 (connector enhancer of kinase suppressor of Ras 2; plus strand). Cytogenetic location: Xp22.12.
Variant type: single nucleotide variant.
Coding change: c.745C>G on transcript NM_014927.5 (MANE Select); coding-DNA position 745, C replaced by G.
Protein change: p.Pro249Ala; replaces proline 249 with alanine.
Molecular consequence: missense variant.
Genome position (GRCh38, 1-based): chrX:21,501,523, C>G. VCF-style: chrX-21501523-C-G. GRCh37 (hg19) VCF-style: chrX-21519641-C-G.
Other names: c.745C>G, p.Pro249Ala (NM_001168647.3, NM_001168648.3, NM_001168649.3 and 4 more transcripts); short protein forms P249A.
Identifiers: ClinVar variation 3776061 (VCV003776061.1).
Genomic context (GRCh38, chrX:21,501,523, plus strand): 5'-ACAGGAAATGACTGATAAAATTTATGTTCTTTATCGTTTCTTTTATATTAAATTCAGTCA[C>G]CTGCAGATCGGTGCAAGAAAATCCATGCTGGCGATGAAGTGATTCAAGTTAATCATCAGA-3'
Protein context (NP_055742.2, residues 239-259): HVITGTTENS[Pro249Ala]ADRCKKIHAG

ClinVar aggregate classification (germline): Uncertain significance (1 of 4 stars; one submission).

Conditions:
Intellectual developmental disorder, X-linked, syndromic, Houge type. Also called: MENTAL RETARDATION, X-LINKED, SYNDROMIC, HOUGE TYPE; Intellectual disability, X-linked, syndromic, Houge type. Identifiers: MedGen C4538788, MONDO:0030909, OMIM 301008.

gnomAD v4.1: 1 of 1,137,725 alleles (0.000088%); highest among the groups gnomAD compares: South Asian, 0.002%; no homozygotes.

Submission:

3billion
Classification: Uncertain significance for Intellectual developmental disorder, X-linked, syndromic, Houge type. Last evaluated: 2023-12-08. Review status: criteria provided, single submitter. Criteria: ACMG Guidelines, 2015. Collection method: clinical testing. Allele origin: germline. Affected: yes.
Comment: The variant is not observed in the gnomAD v2.1.1 dataset. Predicted Consequence/Location: Missense variant In silico tools predict the variant to alter splicing and produce an abnormal transcript [SpliceAI: 0.36 (>=0.2, moderate evidence for spliceogenicity)]. Therefore, this variant is classified as VUS according to the recommendation of ACMG/AMP guideline.